The following is an entry in ClinVar:

NM_016203.4(PRKAG2):c.685-5C>A

Genes: PRKAG2 (protein kinase AMP-activated non-catalytic subunit gamma 2; minus strand), LOC129999660 (ATAC-STARR-seq lymphoblastoid silent region 18823; plus strand). Cytogenetic location: 7q36.1.
Variant type: single nucleotide variant.
Coding change: c.685-5C>A on transcript NM_016203.4 (MANE Select); 5 bases into the intron before coding-DNA position 685, C replaced by A.
Molecular consequence: intron variant. On other transcripts: 5 prime UTR variant (1).
Genome position (GRCh38, 1-based): chr7:151,632,143, G>T on the plus strand (C>A on the coding strand, the complement: PRKAG2 is on the minus strand). VCF-style: chr7-151632143-G-T. GRCh37 (hg19) VCF-style: chr7-151329229-G-T.
Other names: c.-44C>A (NM_024429.2); c.553-5C>A (NM_001040633.2); c.313-5C>A (NM_001304527.2, NM_001363698.2); c.-39-5C>A (NM_001304531.2).
Identifiers: ClinVar variation 513351 (VCV000513351.20), dbSNP rs779931367, ClinGen allele CA058008.

ClinVar aggregate classification (germline): Conflicting classifications of pathogenicity. Review status: criteria provided, conflicting classifications (1 of 4 stars). 6 submissions from 6 submitters: Uncertain significance (2); Likely benign (4). Last evaluated 2025-04-28.

Conditions:
Cardiovascular phenotype. Identifiers: MedGen CN230736.
Lethal congenital glycogen storage disease of heart. Also called: PHOSPHORYLASE KINASE DEFICIENCY OF HEART; GLYCOGEN STORAGE DISEASE OF HEART. Identifiers: Orphanet 439854, MedGen C1849813, MONDO:0009867, OMIM 261740.
Cardiomyopathy (CMYO). Also called: Cardiomyopathies. Identifiers: Orphanet 167848, MedGen C0878544, MONDO:0004994, HP:0001638. Inheritance: Various modes of inheritance.

Allele frequency attached by ClinVar (database versions not stated): gnomAD 0.00002; TOPMed 0.00004.
gnomAD v4.1: 21 of 1,394,508 alleles (0.0015%); highest among the groups gnomAD compares: African/African-American, 0.0045%; no homozygotes.

Submissions (6):

Women's Health and Genetics/Laboratory Corporation of America, LabCorp
Classification: Likely benign. Last evaluated: 2025-04-28. Review status: criteria provided, single submitter. Criteria: LabCorp Variant Classification Summary - May 2015. Collection method: clinical testing. Allele origin: germline.
Comment: Variant summary: PRKAG2 c.685-5C>A alters a non-conserved nucleotide located at a position not widely known to affect splicing. Consensus agreement among computation tools predict no significant impact on normal splicing. However, these predictions have yet to be confirmed by functional studies. The variant allele was found at a frequency of 1.3e-05 in 156980 control chromosomes. The available data on variant occurrences in the general population are insufficient to allow any conclusion about variant significance. To our knowledge, no occurrence of c.685-5C>A in individuals affected with Hypertrophic Cardiomyopathy With Wolff-Parkinson-White and no experimental evidence demonstrating its impact on protein function have been reported. ClinVar contains an entry for this variant (Variation ID: 513351). Based on the evidence outlined above, the variant was classified as likely benign.

Labcorp Genetics (formerly Invitae), Labcorp
Classification: Likely benign for Lethal congenital glycogen storage disease of heart. Last evaluated: 2023-06-16. Review status: criteria provided, single submitter. Criteria: Invitae Variant Classification Sherloc (09022015). Collection method: clinical testing. Allele origin: germline.

CHEO Genetics Diagnostic Laboratory, Children's Hospital of Eastern Ontario
Classification: Uncertain significance for Cardiomyopathy. Last evaluated: 2023-05-16. Review status: criteria provided, single submitter. Criteria: ACMG Guidelines, 2015. Collection method: clinical testing. Allele origin: germline.

Ambry Genetics
Classification: Uncertain significance for Cardiovascular phenotype. Last evaluated: 2022-06-08. Review status: criteria provided, single submitter. Criteria: Ambry Variant Classification Scheme 2023. Collection method: clinical testing. Allele origin: germline.
Comment: The c.685-5C>A intronic variant results from a C to A substitution 5 nucleotides upstream from coding exon 5 in the PRKAG2 gene. This nucleotide position is highly conserved in available vertebrate species. In silico splice site analysis predicts that this alteration will not have any significant effect on splicing. Since supporting evidence is limited at this time, the clinical significance of this alteration remains unclear.

Color Diagnostics, LLC DBA Color Health
Classification: Likely benign for Cardiomyopathy. Last evaluated: 2019-08-27. Review status: criteria provided, single submitter. Criteria: ACMG Guidelines, 2015. Collection method: clinical testing. Allele origin: germline.

GeneDx
Classification: Likely benign. Last evaluated: 2017-11-20. Review status: criteria provided, single submitter. Criteria: GeneDx Variant Classification (06012015). Collection method: clinical testing. Allele origin: germline. Affected: yes.
Comment: This variant is considered likely benign or benign based on one or more of the following criteria: it is a conservative change, it occurs at a poorly conserved position in the protein, it is predicted to be benign by multiple in silico algorithms, and/or has population frequency not consistent with disease.